The following is an entry in ClinVar:

ClinVar aggregate classification (germline): Uncertain significance (1 of 4 stars; one submission).

Conditions:
Inborn genetic diseases. Identifiers: MedGen C0950123, MeSH D030342.

Submission:

Ambry Genetics
Classification: Uncertain significance for Inborn genetic diseases. Last evaluated: 2025-06-06. Review status: criteria provided, single submitter. Criteria: Ambry Variant Classification Scheme 2023. Collection method: clinical testing. Allele origin: germline.
Comment: The p.M1149I variant (also known as c.3447G>C), located in coding exon 13 of the ASXL1 gene, results from a G to C substitution at nucleotide position 3447. The methionine at codon 1149 is replaced by isoleucine, an amino acid with highly similar properties. This amino acid position is conserved. In addition, this alteration is predicted to be tolerated by in silico analysis. Based on the available evidence, the clinical significance of this variant remains unclear.

NM_015338.6(ASXL1):c.3447G>C (p.Met1149Ile)

Gene: ASXL1 (ASXL transcriptional regulator 1; plus strand). Cytogenetic location: 20q11.21.
Variant type: single nucleotide variant.
Coding change: c.3447G>C on transcript NM_015338.6 (MANE Select); coding-DNA position 3447, G replaced by C.
Protein change: p.Met1149Ile; replaces methionine 1149 with isoleucine.
Molecular consequence: missense variant.
Genome position (GRCh38, 1-based): chr20:32,436,159, G>C. VCF-style: chr20-32436159-G-C. GRCh37 (hg19) VCF-style: chr20-31023962-G-C.
Other names: c.3264G>C, p.Met1088Ile (NM_001363734.1); short protein forms M1149I, M1088I.
Identifiers: ClinVar variation 3957630 (VCV003957630.1).
Genomic context (GRCh38, chr20:32,436,159, plus strand): 5'-CATGTCAGAATCCCCACAAGTACCACTTACAAAAGACCAGAGCCATGGCTCGCTACGCAT[G>C]GGATCTTTACATGGTCTTGGAAAAAACAGTGGCATGGTTGATGGAAGCAGCCCCAGTTCT-3'
Protein context (NP_056153.2, residues 1139-1159): TKDQSHGSLR[Met1149Ile]GSLHGLGKNS